The following is an entry in ClinVar:

NM_054012.4(ASS1):c.919C>T (p.Arg307Cys)

Gene: ASS1 (argininosuccinate synthase 1; plus strand). Cytogenetic location: 9q34.11.
Variant type: single nucleotide variant.
Coding change: c.919C>T on transcript NM_054012.4 (MANE Select); coding-DNA position 919, C replaced by T.
Protein change: p.Arg307Cys; replaces arginine 307 with cysteine.
Molecular consequence: missense variant.
Genome position (GRCh38, 1-based): chr9:130,489,413, C>T. VCF-style: chr9-130489413-C-T. GRCh37 (hg19) VCF-style: chr9-133364800-C-T.
Other names: c.919C>T, p.Arg307Cys (NM_000050.4); short protein forms R307C.
Identifiers: ClinVar variation 265044 (VCV000265044.27), dbSNP rs183276875, ClinGen allele CA5283572.

ClinVar aggregate classification (germline): Conflicting classifications of pathogenicity. Review status: criteria provided, conflicting classifications (1 of 4 stars). 8 submissions from 8 submitters: Pathogenic (3); Likely pathogenic (4); Uncertain significance (1). Last evaluated 2026-01-18.

Conditions:
ASS1-related disorder. Also called: ASS1-related condition.
Citrullinemia. Identifiers: Orphanet 187, MedGen C0175683, MONDO:0015991.
Citrullinemia type I (CTNL1). Also called: argininosuccinate synthetase deficiency; ASS DEFICIENCY. Identifiers: Orphanet 247525, MedGen C4721769, MONDO:0008988, OMIM 215700.

Allele frequency attached by ClinVar (database versions not stated): ESP Exome Variant Server 0.00008; ExAC 0.00009; gnomAD 0.00009 and 0.00011; gnomAD exomes 0.00009 and 0.00011; TOPMed 0.00013; 1000 Genomes Project 30x 0.00016; 1000 Genomes Project 0.00020.

Submissions (8):

Labcorp Genetics (formerly Invitae), Labcorp
Classification: Pathogenic for Citrullinemia. Last evaluated: 2026-01-18. Review status: criteria provided, single submitter. Criteria: Invitae Variant Classification Sherloc (09022015). Collection method: clinical testing. Allele origin: germline.
Comment: This sequence change replaces arginine, which is basic and polar, with cysteine, which is neutral and slightly polar, at codon 307 of the ASS1 protein (p.Arg307Cys). This variant is present in population databases (rs183276875, gnomAD 0.03%). This missense change has been observed in individual(s) with citrullinemia (PMID: 14680976; internal data). In at least one individual the data is consistent with being in trans (on the opposite chromosome) from a pathogenic variant. It has also been observed to segregate with disease in related individuals. ClinVar contains an entry for this variant (Variation ID: 265044). Invitae Evidence Modeling of protein sequence and biophysical properties (such as structural, functional, and spatial information, amino acid conservation, physicochemical variation, residue mobility, and thermodynamic stability) has been performed for this missense variant. However, the output from this modeling did not meet the statistical confidence thresholds required to predict the impact of this variant on ASS1 protein function. For these reasons, this variant has been classified as Pathogenic.

GeneDx
Classification: Likely pathogenic. Last evaluated: 2025-12-20. Review status: criteria provided, single submitter. Criteria: GeneDx Variant Classification Process June 2021. Collection method: clinical testing. Allele origin: germline. Affected: yes.
Comment: In silico analysis supports that this missense variant has a deleterious effect on protein structure/function; This variant is associated with the following publications: (PMID: 19006241, 24508627, 28111830, 25087612, 25433810, 35665479, 35726796, 32778825, 41357791, 40804416, 14680976, 38532509)

Women's Health and Genetics/Laboratory Corporation of America, LabCorp
Classification: Pathogenic for Citrullinemia. Last evaluated: 2025-11-17. Review status: criteria provided, single submitter. Criteria: LabCorp Variant Classification Summary - May 2015. Collection method: clinical testing. Allele origin: germline.
Comment: Variant summary: ASS1 c.919C>T (p.Arg307Cys) results in a non-conservative amino acid change in the encoded protein sequence. Algorithms developed to predict the effect of missense changes on protein structure and function all suggest that this variant is likely to be disruptive. The variant allele was found at a frequency of 0.00011 in 251432 control chromosomes. This frequency is not significantly higher than estimated for disease-causing variants in ASS1, allowing no conclusion about variant significance. c.919C>T has been observed in multiple individuals affected with Citrullinemia Type I and has been found to segregate with disease in at least one family (Haberle_2003, Lee_2014, Navarrete_2019, Chen_2022). These data indicate that the variant is very likely to be associated with disease. A different variant affecting the same codon has been classified as likely pathogenic by our lab (c.919C>A, p.307His), supporting the critical relevance of codon 307 to ASS1 protein function. To our knowledge, no experimental evidence demonstrating an impact on protein function has been reported. The following publications have been ascertained in the context of this evaluation (PMID: 35726796, 14680976, 25326637, 30626930). ClinVar contains an entry for this variant (Variation ID: 265044). Based on the evidence outlined above, the variant was classified as pathogenic.

Natera, Inc.
Classification: Likely pathogenic for Citrullinemia type I. Last evaluated: 2025-08-04. Review status: criteria provided, single submitter. Criteria: Natera Variant Classification Schema (03/2026). Collection method: clinical testing. Allele origin: germline.
Comment: The c.919C>T variant in ASS1 is a missense variant predicted to cause substitution of arginine to cysteine at amino acid 307. This variant is rare in the general population with a frequency below the threshold expected for the associated phenotype(s). This variant has been observed in one or more individuals affected with the associated recessive disease, as either homozygous or compound heterozygous with a second variant (PMID: 28111830, 25326637). Computational prediction algorithms indicate this variant is likely to affect gene or protein function. Given the available evidence, this variant is classified as Likely Pathogenic.

PreventionGenetics, part of Exact Sciences
Classification: Pathogenic for ASS1-related condition. Last evaluated: 2025-02-27. Review status: criteria provided, single submitter. Criteria: ACMG Guidelines, 2015. Collection method: clinical testing. Allele origin: germline.
Comment: The ASS1 c.919C>T variant is predicted to result in the amino acid substitution p.Arg307Cys. This variant has been reported in two patients with citrullinemia identified based on newborn screening results; both patients also carried a second pathogenic ASS1 variant (Haberle et al. 2003. PubMed ID: 14680976; Diez-Fernandez et al. 2017. PubMed ID: 28111830). The c.919C>T was also reported in another two individuals with a positive newborn screen but without a second identified ASS1 variant (Martín-Hernández et al. 2014. PubMed ID: 25433810; Adhikari et al 2020. PubMed ID: 32778825). Internally, we have observed this variant in multiple affected individuals, all of which also carried a second pathogenic or likely pathogenic ASS1 variant (PreventionGenetics, Internal Data). This variant is reported in 0.025% of alleles in individuals of Latino descent in gnomAD. This variant is interpreted as pathogenic.

Revvity Omics, Revvity
Classification: Uncertain significance for Citrullinemia type I. Last evaluated: 2022-04-26. Review status: criteria provided, single submitter. Criteria: ACMG Guidelines, 2015. Collection method: clinical testing. Allele origin: germline.

Fulgent Genetics
Classification: Likely pathogenic for Citrullinemia type I. Last evaluated: 2021-11-12. Review status: criteria provided, single submitter. Criteria: ACMG Guidelines, 2015. Collection method: clinical testing. Allele origin: unknown.

Genome-Nilou Lab
Classification: Likely pathogenic for Citrullinemia type I. Last evaluated: 2021-05-18. Review status: criteria provided, single submitter. Criteria: ACMG Guidelines, 2015. Collection method: clinical testing. Allele origin: germline. Affected: no.

Literature cited by the submitters: PubMed 14680976 (cited by Labcorp Genetics (formerly Invitae), Labcorp and Women's Health and Genetics/Laboratory Corporation of America, LabCorp); PubMed 25326637 (cited by Women's Health and Genetics/Laboratory Corporation of America, LabCorp and Natera, Inc.); PubMed 30626930 (cited by Women's Health and Genetics/Laboratory Corporation of America, LabCorp); PubMed 35726796 (cited by Women's Health and Genetics/Laboratory Corporation of America, LabCorp); PubMed 28111830 (cited by Natera, Inc.).